The following is an entry in ClinVar:

ClinVar aggregate classification (germline): Likely benign. Review status: criteria provided, multiple submitters, no conflicts (2 of 4 stars). 3 submissions from 3 submitters: Likely benign (2). 1 of the submissions does not count toward it. Last evaluated 2025-09-21.

Conditions:
COL11A1-related disorder. Also called: COL11A1-related condition; COL11A1-related disorders.

gnomAD v4.1: 16 of 1,609,372 alleles (0.00099%); highest among the groups gnomAD compares: African/African-American, 0.018%; no homozygotes.

Submissions (3):

Labcorp Genetics (formerly Invitae), Labcorp
Classification: Likely benign. Last evaluated: 2025-09-21. Review status: criteria provided, single submitter. Criteria: Invitae Variant Classification Sherloc (09022015). Collection method: clinical testing. Allele origin: germline.

Blueprint Genetics
Classification: Likely benign. Last evaluated: 2022-11-09. Review status: criteria provided, single submitter. Criteria: ACMG Guidelines, 2015. Collection method: clinical testing. Allele origin: germline.

PreventionGenetics, part of Exact Sciences
Classification: Likely benign for COL11A1-related condition. Last evaluated: 2022-05-06. Review status: no assertion criteria provided. Collection method: clinical testing. Allele origin: germline. Not counted in ClinVar's aggregate classification.
Comment: This variant is classified as likely benign based on ACMG/AMP sequence variant interpretation guidelines (Richards et al. 2015 PMID: 25741868, with internal and published modifications).

NM_001854.4(COL11A1):c.1945-7C>T

Gene: COL11A1 (collagen type XI alpha 1 chain; minus strand). Cytogenetic location: 1p21.1.
Variant type: single nucleotide variant.
Coding change: c.1945-7C>T on transcript NM_001854.4 (MANE Select); 7 bases into the intron before coding-DNA position 1945, C replaced by T.
Molecular consequence: intron variant.
Genome position (GRCh38, 1-based): chr1:103,003,275, G>A on the plus strand (C>T on the coding strand, the complement: COL11A1 is on the minus strand). VCF-style: chr1-103003275-G-A. GRCh37 (hg19) VCF-style: chr1-103468831-G-A.
Other names: c.1828-7C>T (NM_001190709.2); c.1981-7C>T (NM_080629.3); c.1597-7C>T (NM_080630.4); c.1945-7C>T (NM_001854.3).
Identifiers: ClinVar variation 1149332 (VCV001149332.13), dbSNP rs201424786, ClinGen allele CA974727.
Genomic context (GRCh38, chr1:103,003,275, plus strand): 5'-AGGCTGCCCTGGAGCTCCTGGAGTTCCCCTTGGACCCAGCAAACCTCGTGGGCCCTAGGA[G>A]AAAAAGAAAAAGCACGCCTTTATTAAAAAAAAAAAATGTCCTAATAACATGCCTCTTTCA-3'